The following is an entry in ClinVar:

ClinVar aggregate classification (germline): Uncertain significance (1 of 4 stars; one submission).

Conditions:
T-B+ severe combined immunodeficiency due to JAK3 deficiency. Also called: SCID, T CELL-NEGATIVE, B CELL-POSITIVE, NK CELL-NEGATIVE; SCID, autosomal recessive, T-negative/B-positive type. Identifiers: Orphanet 35078, MedGen C1833275, MONDO:0010938, OMIM 600802.

Allele frequency attached by ClinVar (database versions not stated): ExAC 0.00001.

Submission:

Labcorp Genetics (formerly Invitae), Labcorp
Classification: Uncertain significance for T-B+ severe combined immunodeficiency due to JAK3 deficiency. Last evaluated: 2025-05-27. Review status: criteria provided, single submitter. Criteria: Invitae Variant Classification Sherloc (09022015). Collection method: clinical testing. Allele origin: germline.
Comment: This sequence change replaces methionine, which is neutral and non-polar, with isoleucine, which is neutral and non-polar, at codon 511 of the JAK3 protein (p.Met511Ile). This variant is present in population databases (rs752661478, gnomAD 0.007%). This variant has not been reported in the literature in individuals affected with JAK3-related conditions. ClinVar contains an entry for this variant (Variation ID: 2851082). Invitae Evidence Modeling of protein sequence and biophysical properties (such as structural, functional, and spatial information, amino acid conservation, physicochemical variation, residue mobility, and thermodynamic stability) has been performed for this missense variant. However, the output from this modeling did not meet the statistical confidence thresholds required to predict the impact of this variant on JAK3 protein function. Experimental studies have shown that this missense change affects JAK3 function (PMID: 20400977, 25193870, 27174491). In summary, the available evidence is currently insufficient to determine the role of this variant in disease. Therefore, it has been classified as a Variant of Uncertain Significance.

Literature cited by the submitters: PubMed 20400977; PubMed 25193870; PubMed 27174491.

NM_000215.4(JAK3):c.1533G>A (p.Met511Ile)

Gene: JAK3 (Janus kinase 3; minus strand). Cytogenetic location: 19p13.11.
Variant type: single nucleotide variant.
Coding change: c.1533G>A on transcript NM_000215.4 (MANE Select); coding-DNA position 1533, G replaced by A.
Protein change: p.Met511Ile; replaces methionine 511 with isoleucine.
Molecular consequence: missense variant.
Genome position (GRCh38, 1-based): chr19:17,838,299, C>T on the plus strand (G>A on the coding strand, the complement: JAK3 is on the minus strand). VCF-style: chr19-17838299-C-T. GRCh37 (hg19) VCF-style: chr19-17949108-C-T.
Other names: short protein forms M511I.
Identifiers: ClinVar variation 2851082 (VCV002851082.2), dbSNP rs752661478, ClinGen allele CA9301867.